The following is an entry in ClinVar:

ClinVar aggregate classification (germline): Benign/Likely benign. Review status: criteria provided, multiple submitters, no conflicts (2 of 4 stars). 3 submissions from 3 submitters: Benign (2); Likely benign (1). Last evaluated 2026-02-03.

Conditions:
Nephrotic syndrome, type 3 (NPHS3). Also called: NEPHROTIC SYNDROME, EARLY-ONSET, TYPE 3. Identifiers: Orphanet 656, MedGen C1853124, MONDO:0012546, OMIM 610725.

Allele frequency attached by ClinVar (database versions not stated): 1000 Genomes Project 30x 0.00187; 1000 Genomes Project 0.00200; ESP Exome Variant Server 0.00210; gnomAD 0.00231 and 0.00232; TOPMed 0.00265; gnomAD exomes 0.00344 and 0.00373; ExAC 0.00368.
gnomAD v4.1: 5,759 of 1,606,738 alleles (0.36%); highest among the groups gnomAD compares: Admixed American, 0.72%; 17 homozygotes.

Submissions (3):

Labcorp Genetics (formerly Invitae), Labcorp
Classification: Benign. Last evaluated: 2026-02-03. Review status: criteria provided, single submitter. Criteria: Invitae Variant Classification Sherloc (09022015). Collection method: clinical testing. Allele origin: germline.

Blueprint Genetics
Classification: Likely benign. Last evaluated: 2024-11-26. Review status: criteria provided, single submitter. Criteria: ACMG Guidelines, 2015. Collection method: clinical testing. Allele origin: germline.

Illumina Laboratory Services, Illumina
Classification: Benign for Nephrotic syndrome, type 3. Last evaluated: 2018-01-13. Review status: criteria provided, single submitter. Criteria: ICSL Variant Classification Criteria 13 December 2019. Collection method: clinical testing. Allele origin: germline.
Comment: This variant was observed in the ICSL laboratory as part of a predisposition screen in an ostensibly healthy population. It had not been previously curated by ICSL or reported in the Human Gene Mutation Database (HGMD: prior to June 1st, 2018), and was therefore a candidate for classification through an automated scoring system. Utilizing variant allele frequency, disease prevalence and penetrance estimates, and inheritance mode, an automated score was calculated to assess if this variant is too frequent to cause the disease. Based on the score and internal cut-off values, a variant classified as benign is not then subjected to further curation. The score for this variant resulted in a classification of benign for this disease.

NM_016341.4(PLCE1):c.3279+12T>C

Gene: PLCE1 (phospholipase C epsilon 1; plus strand). Cytogenetic location: 10q23.33.
Variant type: single nucleotide variant.
Coding change: c.3279+12T>C on transcript NM_016341.4 (MANE Select); 12 bases into the intron after coding-DNA position 3279, T replaced by C.
Molecular consequence: intron variant.
Genome position (GRCh38, 1-based): chr10:94,252,510, T>C. VCF-style: chr10-94252510-T-C. GRCh37 (hg19) VCF-style: chr10-96012267-T-C.
Other names: c.3279+12T>C (NM_001288989.2); c.2355+12T>C (NM_001165979.2).
Identifiers: ClinVar variation 301713 (VCV000301713.13), dbSNP rs139184808, ClinGen allele CA5612817.